The following is an entry in ClinVar:

NM_003906.5(MCM3AP):c.862A>G (p.Met288Val)

Gene: MCM3AP (minichromosome maintenance complex component 3 associated protein; minus strand). Cytogenetic location: 21q22.3.
Variant type: single nucleotide variant.
Coding change: c.862A>G on transcript NM_003906.5 (MANE Select); coding-DNA position 862, A replaced by G.
Protein change: p.Met288Val; replaces methionine 288 with valine.
Molecular consequence: missense variant.
Genome position (GRCh38, 1-based): chr21:46,284,425, T>C on the plus strand (A>G on the coding strand, the complement: MCM3AP is on the minus strand). VCF-style: chr21-46284425-T-C. GRCh37 (hg19) VCF-style: chr21-47704339-T-C.
Other names: c.862A>G (NM_003906.4); short protein forms M288V.
Identifiers: ClinVar variation 1616601 (VCV001616601.11), dbSNP rs17182545, ClinGen allele CA10077248.

ClinVar aggregate classification (germline): Benign/Likely benign. Review status: criteria provided, multiple submitters, no conflicts (2 of 4 stars). 3 submissions from 3 submitters: Benign (1); Likely benign (1). 1 of the submissions does not count toward it. Last evaluated 2026-05-14.

Conditions:
MCM3AP-related disorder. Also called: MCM3AP-related condition.

Allele frequency attached by ClinVar (database versions not stated): ExAC 0.00064; 1000 Genomes Project 0.00160; 1000 Genomes Project 30x 0.00203; gnomAD 0.00206 and 0.00222; ESP Exome Variant Server 0.00254; TOPMed 0.00220; gnomAD exomes 0.00020 and 0.00051.
gnomAD v4.1: 620 of 1,614,124 alleles (0.038%); highest among the groups gnomAD compares: African/African-American, 0.74%; 3 homozygotes.

Submissions (3):

Women's Health and Genetics/Laboratory Corporation of America, LabCorp
Classification: Likely benign. Last evaluated: 2026-05-14. Review status: criteria provided, single submitter. Criteria: LabCorp Variant Classification Summary - May 2015. Collection method: clinical testing. Allele origin: germline.
Comment: Variant summary: MCM3AP c.862A>G (p.Met288Val) results in a conservative amino acid change in the encoded protein sequence. Algorithms developed to predict the effect of missense changes on protein structure and function all suggest that this variant is likely to be tolerated. The variant allele was found at a frequency of 0.00051 in 251458 control chromosomes, predominantly at a frequency of 0.0074 within the African or African-American subpopulation in the gnomAD database, including 1 homozygotes. The observed variant frequency within African or African-American control individuals in the gnomAD database exceeds the estimated maximal expected allele frequency for disease-causing variants in MCM3AP. To our knowledge, no occurrence of c.862A>G in individuals affected with MCM3AP-related conditions and no experimental evidence demonstrating its impact on protein function have been reported. ClinVar contains an entry for this variant (Variation ID: 1616601). Based on the evidence outlined above, the variant was classified as likely benign.

Labcorp Genetics (formerly Invitae), Labcorp
Classification: Benign. Last evaluated: 2025-12-30. Review status: criteria provided, single submitter. Criteria: Invitae Variant Classification Sherloc (09022015). Collection method: clinical testing. Allele origin: germline.

PreventionGenetics, part of Exact Sciences
Classification: Benign for MCM3AP-related condition. Last evaluated: 2022-03-28. Review status: no assertion criteria provided. Collection method: clinical testing. Allele origin: germline. Not counted in ClinVar's aggregate classification.
Comment: This variant is classified as benign based on ACMG/AMP sequence variant interpretation guidelines (Richards et al. 2015 PMID: 25741868, with internal and published modifications).